The following is an entry in ClinVar:

NM_138694.4(PKHD1):c.640C>A (p.Gln214Lys)

Gene: PKHD1 (PKHD1 ciliary IPT domain containing fibrocystin/polyductin; minus strand). Cytogenetic location: 6p12.2.
Variant type: single nucleotide variant.
Coding change: c.640C>A on transcript NM_138694.4 (MANE Select); coding-DNA position 640, C replaced by A.
Protein change: p.Gln214Lys; replaces glutamine 214 with lysine.
Molecular consequence: missense variant.
Genome position (GRCh38, 1-based): chr6:52,071,033, G>T on the plus strand (C>A on the coding strand, the complement: PKHD1 is on the minus strand). VCF-style: chr6-52071033-G-T. GRCh37 (hg19) VCF-style: chr6-51935831-G-T.
Other names: c.640C>A, p.Gln214Lys (NM_170724.3); short protein forms Q214K.
Identifiers: ClinVar variation 3765969 (VCV003765969.1).

ClinVar aggregate classification (germline): Uncertain significance (1 of 4 stars; one submission).

gnomAD v4.1: 21 of 1,606,490 alleles (0.0013%); highest among the groups gnomAD compares: Admixed American, 0.032%; 1 homozygote.

Submission:

GeneDx
Classification: Uncertain significance. Last evaluated: 2024-08-29. Review status: criteria provided, single submitter. Criteria: GeneDx Variant Classification Process June 2021. Collection method: clinical testing. Allele origin: germline. Affected: yes.
Comment: Not observed at significant frequency in large population cohorts (gnomAD); In silico analysis indicates that this missense variant does not alter protein structure/function; Has not been previously published as pathogenic or benign to our knowledge